The following is an entry in ClinVar:

ClinVar aggregate classification (germline): Pathogenic (1 of 4 stars; one submission).

Submission:

CeGaT Center for Human Genetics Tuebingen
Classification: Pathogenic. Last evaluated: 2023-10-01. Review status: criteria provided, single submitter. Criteria: CeGaT Center For Human Genetics Tuebingen Variant Classification Criteria Version 2. Collection method: clinical testing. Allele origin: germline. Affected: yes. Observed: 1 variant allele.
Comment: PALB2: PVS1, PM2

NM_024675.4(PALB2):c.620dup (p.Asp208fs)

Gene: PALB2 (partner and localizer of BRCA2; minus strand). Cytogenetic location: 16p12.2.
Variant type: Duplication.
Coding change: c.620dup on transcript NM_024675.4 (MANE Select); coding-DNA position 620, one base duplicated (C; older notation c.620dupC).
Protein change: p.Asp208fs; shifts the reading frame from aspartic acid 208.
Molecular consequence: frameshift variant. On other transcripts: 5 prime UTR variant (8), intron variant (3).
Genome position (GRCh38, 1-based): chr16:23,635,926, G duplicated on the plus strand (C on the coding strand, the reverse complement: PALB2 is on the minus strand); the first of 2 consecutive G bases (chr16:23,635,926-23,635,927); duplicating either gives the same sequence. VCF-style (leftmost placement, unchanged base first): chr16-23635925-T-TG. GRCh37 (hg19) VCF-style: chr16-23647246-T-TG.
Other names: c.560dup, p.Asp188fs (NM_001407296.1); c.620dup, p.Asp208fs (NM_001407297.1, NM_001407298.1, NM_001407299.1 and 3 more transcripts); c.-266dup (NM_001407304.1, NM_001407305.1, NM_001407306.1 and 5 more transcripts); c.48+5184dup (NM_001407314.1); c.-105+5184dup (NM_001407313.1, NM_001407312.1); short protein forms D188fs, D208fs.
Identifiers: ClinVar variation 2646326 (VCV002646326.24), dbSNP rs1555461704, ClinGen allele CA1139768293.